The following is an entry in ClinVar:

ClinVar aggregate classification (germline): Uncertain significance. Review status: criteria provided, multiple submitters, no conflicts (2 of 4 stars). 3 submissions from 3 submitters: Uncertain significance (3). Last evaluated 2025-04-22.

Conditions:
Hereditary cancer-predisposing syndrome. Also called: Hereditary neoplastic syndrome; Tumor predisposition; Hereditary Cancer Syndrome; Neoplastic Syndromes, Hereditary. Identifiers: Orphanet 140162, MedGen C0027672, MeSH D009386, MONDO:0015356.
Gorlin syndrome. Also called: Basal cell nevus syndrome; Nevoid Basal Cell Carcinoma Syndrome. Identifiers: Orphanet 377, MedGen C0004779, MONDO:0007187.
Medulloblastoma (MDB). Also called: MEDULLOBLASTOMA PREDISPOSITION SYNDROME; Medulloblastoma, somatic. Identifiers: Orphanet 616, MedGen C0025149, MeSH D008527, MONDO:0007959, OMIM 155255, HP:0002885.

Allele frequency attached by ClinVar (database versions not stated): gnomAD exomes below 0.00001 and 0.00001; TOPMed below 0.00001.
gnomAD v4.1: 6 of 1,614,134 alleles (0.00037%); highest among the groups gnomAD compares: East Asian, 0.0022%; no homozygotes.

Submissions (3):

Labcorp Genetics (formerly Invitae), Labcorp
Classification: Uncertain significance for Gorlin syndrome; Medulloblastoma. Last evaluated: 2025-04-22. Review status: criteria provided, single submitter. Criteria: Invitae Variant Classification Sherloc (09022015). Collection method: clinical testing. Allele origin: germline.
Comment: This sequence change replaces glycine, which is neutral and non-polar, with serine, which is neutral and polar, at codon 231 of the SUFU protein (p.Gly231Ser). This variant is present in population databases (no rsID available, gnomAD 0.0009%). This variant has not been reported in the literature in individuals affected with SUFU-related conditions. ClinVar contains an entry for this variant (Variation ID: 578860). Invitae Evidence Modeling of protein sequence and biophysical properties (such as structural, functional, and spatial information, amino acid conservation, physicochemical variation, residue mobility, and thermodynamic stability) indicates that this missense variant is not expected to disrupt SUFU protein function with a negative predictive value of 80%. In summary, the available evidence is currently insufficient to determine the role of this variant in disease. Therefore, it has been classified as a Variant of Uncertain Significance.

Ambry Genetics
Classification: Uncertain significance for Hereditary cancer-predisposing syndrome. Last evaluated: 2024-11-21. Review status: criteria provided, single submitter. Criteria: Ambry Variant Classification Scheme 2023. Collection method: clinical testing. Allele origin: germline.
Comment: The p.G231S variant (also known as c.691G>A), located in coding exon 6 of the SUFU gene, results from a G to A substitution at nucleotide position 691. The glycine at codon 231 is replaced by serine, an amino acid with similar properties. This amino acid position is highly conserved in available vertebrate species. In addition, this alteration is predicted to be deleterious by in silico analysis. Since supporting evidence is limited at this time, the clinical significance of this alteration remains unclear.

GeneDx
Classification: Uncertain significance. Last evaluated: 2022-01-24. Review status: criteria provided, single submitter. Criteria: GeneDx Variant Classification Process June 2021. Collection method: clinical testing. Allele origin: germline. Affected: yes.
Comment: Not observed at significant frequency in large population cohorts (gnomAD); In silico analysis supports that this missense variant has a deleterious effect on protein structure/function; Has not been previously published as pathogenic or benign to our knowledge

NM_016169.4(SUFU):c.691G>A (p.Gly231Ser)

Gene: SUFU (SUFU negative regulator of hedgehog signaling; plus strand). Cytogenetic location: 10q24.32.
Variant type: single nucleotide variant.
Coding change: c.691G>A on transcript NM_016169.4 (MANE Select); coding-DNA position 691, G replaced by A.
Protein change: p.Gly231Ser; replaces glycine 231 with serine.
Molecular consequence: missense variant.
Genome position (GRCh38, 1-based): chr10:102,594,000, G>A. VCF-style: chr10-102594000-G-A. GRCh37 (hg19) VCF-style: chr10-104353757-G-A.
Other names: c.691G>A, p.Gly231Ser (NM_001178133.2); short protein forms G231S.
Identifiers: ClinVar variation 578860 (VCV000578860.14), dbSNP rs1457485957, ClinGen allele CA377909722.